The following is an entry in ClinVar:

NM_000214.3(JAG1):c.26G>C (p.Arg9Pro)

Gene: JAG1 (jagged canonical Notch ligand 1; minus strand). Cytogenetic location: 20p12.2.
Variant type: single nucleotide variant.
Coding change: c.26G>C on transcript NM_000214.3 (MANE Select); coding-DNA position 26, G replaced by C.
Protein change: p.Arg9Pro; replaces arginine 9 with proline.
Molecular consequence: missense variant.
Genome position (GRCh38, 1-based): chr20:10,673,505, C>G on the plus strand (G>C on the coding strand, the complement: JAG1 is on the minus strand). VCF-style: chr20-10673505-C-G. GRCh37 (hg19) VCF-style: chr20-10654153-C-G.
Other names: short protein forms R9P.
Identifiers: ClinVar variation 2147608 (VCV002147608.4), dbSNP rs1248965484, ClinGen allele CA408244283.

ClinVar aggregate classification (germline): Uncertain significance (1 of 4 stars; one submission).

Conditions:
Alagille syndrome due to a JAG1 point mutation. Also called: HEPATIC DUCTULAR HYPOPLASIA, SYNDROMATIC; Alagille Syndrome 1; JAG1-Related Alagille Syndrome. Identifiers: Orphanet 261619, Orphanet 52, MedGen C1956125, MONDO:0016862, OMIM 118450.

gnomAD v4.1: 2 of 1,267,686 alleles (0.00016%); highest among the groups gnomAD compares: South Asian, 0.0032%; no homozygotes.

Submission:

Labcorp Genetics (formerly Invitae), Labcorp
Classification: Uncertain significance for Alagille syndrome due to a JAG1 point mutation. Last evaluated: 2022-03-09. Review status: criteria provided, single submitter. Criteria: Invitae Variant Classification Sherloc (09022015). Collection method: clinical testing. Allele origin: germline.
Comment: This sequence change replaces arginine, which is basic and polar, with proline, which is neutral and non-polar, at codon 9 of the JAG1 protein (p.Arg9Pro). This variant is not present in population databases (gnomAD no frequency). This variant has not been reported in the literature in individuals affected with JAG1-related conditions. Algorithms developed to predict the effect of missense changes on protein structure and function are either unavailable or do not agree on the potential impact of this missense change (SIFT: "Tolerated"; PolyPhen-2: "Not Available"; Align-GVGD: "Class C0"). In summary, the available evidence is currently insufficient to determine the role of this variant in disease. Therefore, it has been classified as a Variant of Uncertain Significance.